The following is an entry in ClinVar:

ClinVar aggregate classification (germline): Uncertain significance. Review status: criteria provided, multiple submitters, no conflicts (2 of 4 stars). 3 submissions from 3 submitters: Uncertain significance (2). 1 of the submissions does not count toward it. Last evaluated 2022-10-03.

Conditions:
Decreased circulating carnitine concentration. Also called: Decreased plasma carnitine. Identifiers: MedGen C5848230, HP:0003234.
Renal carnitine transport defect (CDSP). Also called: Primary carnitine deficiency; Systemic primary carnitine deficiency; CARNITINE DEFICIENCY, SYSTEMIC, DUE TO DEFECT IN RENAL REABSORPTION OF CARNITINE; CARNITINE TRANSPORTER, PLASMA-MEMBRANE, DEFICIENCY OF; CARNITINE UPTAKE DEFECT; Systemic primary carnitine deficiency disease. Identifiers: Orphanet 158, MedGen C0342788, MONDO:0008919, OMIM 212140.

Allele frequency attached by ClinVar (database versions not stated): gnomAD 0.00001; gnomAD exomes 0.00001.
gnomAD v4.1: 5 of 1,613,976 alleles (0.00031%); highest among the groups gnomAD compares: Admixed American, 0.0083%; no homozygotes.

Submissions (3):

Giacomini Lab, University of California, San Francisco
Classification: Uncertain significance for Renal carnitine transport defect. Last evaluated: 2022-10-03. Review status: criteria provided, single submitter. Criteria: ACMG Guidelines, 2015. Collection method: research, in vitro. Allele origin: germline, not applicable.

Labcorp Genetics (formerly Invitae), Labcorp
Classification: Uncertain significance for Renal carnitine transport defect. Last evaluated: 2022-04-13. Review status: criteria provided, single submitter. Criteria: Invitae Variant Classification Sherloc (09022015). Collection method: clinical testing. Allele origin: germline.
Comment: This sequence change replaces asparagine, which is neutral and polar, with histidine, which is basic and polar, at codon 133 of the SLC22A5 protein (p.Asn133His). This variant is present in population databases (no rsID available, gnomAD 0.009%). This variant has not been reported in the literature in individuals affected with SLC22A5-related conditions. ClinVar contains an entry for this variant (Variation ID: 1002557). Advanced modeling of protein sequence and biophysical properties (such as structural, functional, and spatial information, amino acid conservation, physicochemical variation, residue mobility, and thermodynamic stability) performed at Invitae indicates that this missense variant is not expected to disrupt SLC22A5 protein function. In summary, the available evidence is currently insufficient to determine the role of this variant in disease. Therefore, it has been classified as a Variant of Uncertain Significance.

Natera, Inc.
Classification: Uncertain significance for Carnitine deficiency. Last evaluated: 2020-12-02. Review status: no assertion criteria provided. Collection method: clinical testing. Allele origin: germline. Not counted in ClinVar's aggregate classification.

NM_003060.4(SLC22A5):c.397A>C (p.Asn133His)

Gene: SLC22A5 (solute carrier family 22 member 5; plus strand). Cytogenetic location: 5q31.1.
Variant type: single nucleotide variant.
Coding change: c.397A>C on transcript NM_003060.4 (MANE Select); coding-DNA position 397, A replaced by C.
Protein change: p.Asn133His; replaces asparagine 133 with histidine.
Molecular consequence: missense variant.
Genome position (GRCh38, 1-based): chr5:132,378,381, A>C. VCF-style: chr5-132378381-A-C. GRCh37 (hg19) VCF-style: chr5-131714073-A-C.
Other names: p.Asn133His; c.469A>C, p.Asn157His (NM_001308122.2); short protein forms N133H, N157H.
Identifiers: ClinVar variation 1002557 (VCV001002557.12), dbSNP rs1268928609, ClinGen allele CA360803407.
Genomic context (GRCh38, chr5:132,378,381, plus strand): 5'-TGCTTTAAAACCTTTTAAAAAGAAGTGAATGATACACCCCCTTTGCTCATCTTGCAGTGG[A>C]ACCTGGTGTGTGAGGACGACTGGAAGGCCCCACTCACAATCTCCTTGTTCTTCGTGGGTG-3'
Protein context (NP_003051.1, residues 123-143): VYLSTIVTEW[Asn133His]LVCEDDWKAP